The following is an entry in ClinVar:

NM_015072.5(TTLL5):c.1242del (p.Phe415fs)

Gene: TTLL5 (tubulin tyrosine ligase like 5; plus strand). Cytogenetic location: 14q24.3.
Variant type: Deletion.
Coding change: c.1242del on transcript NM_015072.5 (MANE Select); coding-DNA position 1242, one base deleted (C; older notation c.1242delC).
Protein change: p.Phe415fs; shifts the reading frame from phenylalanine 415.
Molecular consequence: frameshift variant.
Genome position (GRCh38, 1-based): chr14:75,735,250, C deleted; the last of 2 consecutive C bases (chr14:75,735,249-75,735,250); deleting either gives the same sequence. VCF-style (leftmost placement, unchanged base first): chr14-75735248-AC-A. GRCh37 (hg19) VCF-style: chr14-76201591-AC-A.
Other names: c.1242delC (NM_015072.4); short protein forms F415fs.
Identifiers: ClinVar variation 1363130 (VCV001363130.8), dbSNP rs1309614617, ClinGen allele CA615070784.

ClinVar aggregate classification (germline): Pathogenic/Likely pathogenic. Review status: criteria provided, multiple submitters, no conflicts (2 of 4 stars). 3 submissions from 3 submitters: Pathogenic (1); Likely pathogenic (2). Last evaluated 2025-01-15.

Conditions:
TTLL5-related disorder. Also called: TTLL5-related condition.

Submissions (3):

PreventionGenetics, part of Exact Sciences
Classification: Likely pathogenic for TTLL5-related condition. Last evaluated: 2025-01-15. Review status: criteria provided, single submitter. Criteria: ACMG Guidelines, 2015. Collection method: clinical testing. Allele origin: germline.
Comment: The TTLL5 c.1242delC variant is predicted to result in a frameshift and premature protein termination (p.Phe415Leufs*25). To our knowledge, this variant has not been reported in individuals with TTLL5-related disease. This variant is reported in 0.0065% of alleles in individuals of European (Non-Finnish) descent in gnomAD. Frameshift variants in TTLL5 are expected to be pathogenic. This variant is interpreted as likely pathogenic.

Blueprint Genetics
Classification: Likely pathogenic for TTLL5-related disorders. Last evaluated: 2022-11-30. Review status: criteria provided, single submitter. Criteria: ACMG Guidelines, 2015. Collection method: clinical testing. Allele origin: germline. Affected: yes. Observed: 2 variant alleles.

Labcorp Genetics (formerly Invitae), Labcorp
Classification: Pathogenic. Last evaluated: 2022-03-04. Review status: criteria provided, single submitter. Criteria: Invitae Variant Classification Sherloc (09022015). Collection method: clinical testing. Allele origin: germline.
Comment: This sequence change creates a premature translational stop signal (p.Phe415Leufs*25) in the TTLL5 gene. It is expected to result in an absent or disrupted protein product. Loss-of-function variants in TTLL5 are known to be pathogenic (PMID: 24791901, 27162334). This variant is present in population databases (no rsID available, gnomAD 0.007%). This variant has not been reported in the literature in individuals affected with TTLL5-related conditions. For these reasons, this variant has been classified as Pathogenic.

Literature cited by the submitters: PubMed 24791901 (cited by Labcorp Genetics (formerly Invitae), Labcorp); PubMed 27162334 (cited by Labcorp Genetics (formerly Invitae), Labcorp).